The following is an entry in ClinVar:

ClinVar aggregate classification (germline): Uncertain significance. Review status: criteria provided, multiple submitters, no conflicts (2 of 4 stars). 2 submissions from 2 submitters: Uncertain significance (2). Last evaluated 2024-11-27.

Conditions:
EGFR-related lung cancer (EGFR). Identifiers: MedGen CN130014.
Hereditary cancer-predisposing syndrome. Also called: Hereditary neoplastic syndrome; Neoplastic Syndromes, Hereditary; Tumor predisposition; Hereditary Cancer Syndrome. Identifiers: Orphanet 140162, MedGen C0027672, MeSH D009386, MONDO:0015356.

Allele frequency attached by ClinVar (database versions not stated): ExAC 0.00002; gnomAD exomes 0.00003 and 0.00004; gnomAD 0.00006 and 0.00007; TOPMed 0.00006; ESP Exome Variant Server 0.00008.
gnomAD v4.1: 54 of 1,614,070 alleles (0.0033%); highest among the groups gnomAD compares: African/African-American, 0.0067%; no homozygotes.

Submissions (2):

Labcorp Genetics (formerly Invitae), Labcorp
Classification: Uncertain significance for EGFR-related lung cancer. Last evaluated: 2024-11-27. Review status: criteria provided, single submitter. Criteria: Invitae Variant Classification Sherloc (09022015). Collection method: clinical testing. Allele origin: germline.
Comment: This sequence change replaces aspartic acid, which is acidic and polar, with asparagine, which is neutral and polar, at codon 916 of the EGFR protein (p.Asp916Asn). This variant is present in population databases (rs376822837, gnomAD 0.006%). This missense change has been observed in individual(s) with breast cancer (PMID: 36315513). ClinVar contains an entry for this variant (Variation ID: 836818). Invitae Evidence Modeling of protein sequence and biophysical properties (such as structural, functional, and spatial information, amino acid conservation, physicochemical variation, residue mobility, and thermodynamic stability) indicates that this missense variant is not expected to disrupt EGFR protein function with a negative predictive value of 80%. In summary, the available evidence is currently insufficient to determine the role of this variant in disease. Therefore, it has been classified as a Variant of Uncertain Significance.

Ambry Genetics
Classification: Uncertain significance for Hereditary cancer-predisposing syndrome. Last evaluated: 2024-10-17. Review status: criteria provided, single submitter. Criteria: Ambry Variant Classification Scheme 2023. Collection method: clinical testing. Allele origin: germline.
Comment: The p.D916N variant (also known as c.2746G>A), located in coding exon 23 of the EGFR gene, results from a G to A substitution at nucleotide position 2746. The aspartic acid at codon 916 is replaced by asparagine, an amino acid with highly similar properties. This amino acid position is well conserved in available vertebrate species. In addition, this alteration is predicted to be tolerated by in silico analysis. Based on the available evidence, the clinical significance of this variant remains unclear.

Literature cited by the submitters: PubMed 36315513 (cited by Labcorp Genetics (formerly Invitae), Labcorp).

NM_005228.5(EGFR):c.2746G>A (p.Asp916Asn)

Gene: EGFR (epidermal growth factor receptor; plus strand). Cytogenetic location: 7p11.2.
Variant type: single nucleotide variant.
Coding change: c.2746G>A on transcript NM_005228.5 (MANE Select); coding-DNA position 2746, G replaced by A.
Protein change: p.Asp916Asn; replaces aspartic acid 916 with asparagine.
Molecular consequence: missense variant.
Genome position (GRCh38, 1-based): chr7:55,198,761, G>A. VCF-style: chr7-55198761-G-A. GRCh37 (hg19) VCF-style: chr7-55266454-G-A.
Other names: c.2611G>A, p.Asp871Asn (NM_001346897.2, NM_001346899.2); c.2746G>A, p.Asp916Asn (NM_001346898.2); c.2587G>A, p.Asp863Asn (NM_001346900.2); c.1945G>A, p.Asp649Asn (NM_001346941.2); short protein forms D916N, D863N, D649N, D871N.
Identifiers: ClinVar variation 836818 (VCV000836818.7), dbSNP rs376822837, ClinGen allele CA4266171.